The following is an entry in ClinVar:

NC_000009.11:g.(?_139265559)_(139333126_?)del

Genes: CARD9 (caspase recruitment domain family member 9; minus strand), ENTR1 (endosome associated trafficking regulator 1; minus strand), INPP5E (inositol polyphosphate-5-phosphatase E; minus strand), PMPCA (peptidase, mitochondrial processing subunit alpha; plus strand), SNAPC4 (small nuclear RNA activating complex polypeptide 4; minus strand). Cytogenetic location: 9q34.3.
Variant type: Deletion.
Identifiers: ClinVar variation 3245126 (VCV003245126.1).

ClinVar aggregate classification (germline): Pathogenic (1 of 4 stars; one submission).

Conditions:
Joubert syndrome. Also called: CEREBELLOPARENCHYMAL DISORDER IV; JOUBERT-BOLTSHAUSER SYNDROME; Familial aplasia of the vermis. Identifiers: Orphanet 475, MedGen C5979921, MONDO:0018772.

Submission:

Labcorp Genetics (formerly Invitae), Labcorp
Classification: Pathogenic for Joubert syndrome. Last evaluated: 2022-11-08. Review status: criteria provided, single submitter. Criteria: Invitae Variant Classification Sherloc (09022015). Collection method: clinical testing. Allele origin: unknown.
Comment: For these reasons, this variant has been classified as Pathogenic. This variant disrupts the p.Arg378 amino acid residue in INPP5E. Other variant(s) that disrupt this residue have been determined to be pathogenic (PMID: 15786477, 19668216). This suggests that this residue is clinically significant, and that variants that disrupt this residue are likely to be disease-causing. A similar copy number variant has been observed in individuals with clinical features of INPP5E-related disorder (Invitae). This variant results in the deletion of exons 2-10 and part of exon 1 of the INPP5E gene. While this deletion is not anticipated to lead to nonsense mediated decay, it is expected to alter mRNA translation or result in a truncated protein product.

Literature cited by the submitters: PubMed 15786477; PubMed 19668216.